The following is an entry in ClinVar:

NM_001252102.2(KIF21B):c.4625A>G (p.Asn1542Ser)

Gene: KIF21B (kinesin family member 21B; minus strand). Cytogenetic location: 1q32.1.
Variant type: single nucleotide variant.
Coding change: c.4625A>G on transcript NM_001252102.2 (MANE Select); coding-DNA position 4625, A replaced by G.
Protein change: p.Asn1542Ser; replaces asparagine 1542 with serine.
Molecular consequence: missense variant.
Genome position (GRCh38, 1-based): chr1:200,974,903, T>C on the plus strand (A>G on the coding strand, the complement: KIF21B is on the minus strand). VCF-style: chr1-200974903-T-C. GRCh37 (hg19) VCF-style: chr1-200944031-T-C.
Other names: c.4586A>G (NM_017596.2); c.4625A>G, p.Asn1542Ser (NM_001252100.2); c.4586A>G, p.Asn1529Ser (NM_001252103.2, NM_017596.4); short protein forms N1529S, N1542S.
Identifiers: ClinVar variation 1699344 (VCV001699344.4), dbSNP rs893498810, ClinGen allele CA35979146.

ClinVar aggregate classification (germline): Conflicting classifications of pathogenicity. Review status: criteria provided, conflicting classifications (1 of 4 stars). 2 submissions from 2 submitters: Likely pathogenic (1); Uncertain significance (1). Last evaluated 2025-08-24.

Conditions:
Neurodevelopmental disorder. Identifiers: MedGen C1535926, MeSH D065886, MONDO:0700092.

Allele frequency attached by ClinVar (database versions not stated): gnomAD exomes below 0.00001; TOPMed below 0.00001.
gnomAD v4.1: 1 of 1,613,676 alleles (0.000062%); highest among the groups gnomAD compares: Non-Finnish European, 0.000085%; no homozygotes.

Submissions (2):

Ambry Genetics
Classification: Uncertain significance. Last evaluated: 2025-08-24. Review status: criteria provided, single submitter. Criteria: Ambry Variant Classification Scheme 2023. Collection method: clinical testing. Allele origin: germline.

Victorian Clinical Genetics Services, Murdoch Childrens Research Institute
Classification: Likely pathogenic for Neurodevelopmental disorder. Last evaluated: 2022-06-24. Review status: criteria provided, single submitter. Criteria: ACMG Guidelines, 2015. Collection method: clinical testing. Allele origin: germline. Inheritance: Autosomal dominant inheritance. Affected: yes.
Comment: Based on the classification scheme VCGS_Germline_v1.3.4, this variant is classified as Likely pathogenic. Following criteria are met: 0105 - The mechanism of disease for this gene is not clearly established. However functional evidence has demonstrated some missense variants to have a gain of function effect, a dominant negative effect, or both (PMID: 32415109). (I) 0107 - This gene is associated with autosomal dominant disease. (I) 0200 - Variant is predicted to result in a missense amino acid change from asparagine to serine. (I) 0251 - This variant is heterozygous. (I) 0301 - Variant is absent from gnomAD (both v2 and v3). (SP) 0502 - Missense variant with conflicting in silico predictions and uninformative conservation. (I) 0600 - Variant is located in the annotated WD40 domain (PMID: 32415109). (I) 0705 - No comparable missense variants have previous evidence for pathogenicity. (I) 0807 - This variant has no previous evidence of pathogenicity. (I) 0905 - No published segregation evidence has been identified for this variant. (I) 1007 - No published functional evidence has been identified for this variant. (SP) Legend: (SP) - Supporting pathogenic, (I) - Information, (SB) - Supporting benign

Literature cited by the submitters: PubMed 32415109 (cited by Victorian Clinical Genetics Services, Murdoch Childrens Research Institute).